The following is an entry in ClinVar:

ClinVar aggregate classification (germline): Uncertain significance (1 of 4 stars; one submission).

Conditions:
RASopathy. Also called: Noonan spectrum disorder; rasopathies. Identifiers: Orphanet 536391, MedGen C5555857, MONDO:0021060.

Submission:

Labcorp Genetics (formerly Invitae), Labcorp
Classification: Uncertain significance for RASopathy. Last evaluated: 2025-01-16. Review status: criteria provided, single submitter. Criteria: Invitae Variant Classification Sherloc (09022015). Collection method: clinical testing. Allele origin: germline.
Comment: This sequence change replaces glycine, which is neutral and non-polar, with arginine, which is basic and polar, at codon 370 of the RAF1 protein (p.Gly370Arg). This variant also falls at the last nucleotide of exon 10, which is part of the consensus splice site for this exon. This variant is not present in population databases (gnomAD no frequency). This variant has not been reported in the literature in individuals affected with RAF1-related conditions. An algorithm developed to predict the effect of missense changes on protein structure and function (PolyPhen-2) suggests that this variant is likely to be disruptive. Variants that disrupt the consensus splice site are a relatively common cause of aberrant splicing (PMID: 17576681, 9536098). Algorithms developed to predict the effect of sequence changes on RNA splicing suggest that this variant may disrupt the consensus splice site. In summary, the available evidence is currently insufficient to determine the role of this variant in disease. Therefore, it has been classified as a Variant of Uncertain Significance.

Literature cited by the submitters: PubMed 17576681; PubMed 9536098.

NM_002880.4(RAF1):c.1108G>A (p.Gly370Arg)

Gene: RAF1 (Raf-1 proto-oncogene, serine/threonine kinase; minus strand). Cytogenetic location: 3p25.2.
Variant type: single nucleotide variant.
Coding change: c.1108G>A on transcript NM_002880.4 (MANE Select); coding-DNA position 1108, G replaced by A.
Protein change: p.Gly370Arg; replaces glycine 370 with arginine.
Molecular consequence: missense variant. On other transcripts: non-coding transcript variant (3).
Genome position (GRCh38, 1-based): chr3:12,599,691, C>T on the plus strand (G>A on the coding strand, the complement: RAF1 is on the minus strand). VCF-style: chr3-12599691-C-T. GRCh37 (hg19) VCF-style: chr3-12641190-C-T.
Other names: c.1168G>A, p.Gly390Arg (NM_001354689.3); c.1108G>A, p.Gly370Arg (NM_001354690.3); c.865G>A, p.Gly289Arg (NM_001354691.3, NM_001354692.3); c.1009G>A, p.Gly337Arg (NM_001354693.3); c.925G>A, p.Gly309Arg (NM_001354694.3); c.766G>A, p.Gly256Arg (NM_001354695.3); short protein forms G256R, G309R, G390R, G289R, G337R, G370R.
Identifiers: ClinVar variation 3667995 (VCV003667995.2).
Genomic context (GRCh38, chr3:12,599,691, plus strand): 5'-GCTGAAACTTGACTTCACACCAAAGCCCTGCAGTTAGTAAAGGGAGGGCCCCAAGCTTAC[C>T]GTGCCATTTACCCTTATAAACAGTTCCAAAAGAGCCTGACCCAATCCGAGTGGACAGCAT-3'
Protein context (NP_002871.1, residues 360-380): FGTVYKGKWH[Gly370Arg]DVAVKILKVV